The following is an entry in ClinVar:

NM_001369369.1(FOXN1):c.1387G>A (p.Ala463Thr)

Gene: FOXN1 (forkhead box N1; plus strand). Cytogenetic location: 17q11.2.
Variant type: single nucleotide variant.
Coding change: c.1387G>A on transcript NM_001369369.1 (MANE Select); coding-DNA position 1387, G replaced by A.
Protein change: p.Ala463Thr; replaces alanine 463 with threonine.
Molecular consequence: missense variant.
Genome position (GRCh38, 1-based): chr17:28,534,958, G>A. VCF-style: chr17-28534958-G-A. GRCh37 (hg19) VCF-style: chr17-26861976-G-A.
Other names: c.1387G>A, p.Ala463Thr (NM_003593.3); short protein forms A463T.
Identifiers: ClinVar variation 2148652 (VCV002148652.3), dbSNP rs892345693, ClinGen allele CA289120257.

ClinVar aggregate classification (germline): Uncertain significance (1 of 4 stars; one submission).

Conditions:
T-cell immunodeficiency, congenital alopecia, and nail dystrophy. Also called: Congenital alopecia and nail dystrophy associated with severe functional T-cell immunodeficiency; Pignata Guarino syndrome. Identifiers: Orphanet 169095, MedGen C1866426, MONDO:0011132, OMIM 601705.

Allele frequency attached by ClinVar (database versions not stated): gnomAD exomes below 0.00001; TOPMed 0.00003; gnomAD 0.00005.

Submission:

Labcorp Genetics (formerly Invitae), Labcorp
Classification: Uncertain significance for T-cell immunodeficiency, congenital alopecia, and nail dystrophy. Last evaluated: 2023-11-22. Review status: criteria provided, single submitter. Criteria: Invitae Variant Classification Sherloc (09022015). Collection method: clinical testing. Allele origin: germline.
Comment: This sequence change replaces alanine, which is neutral and non-polar, with threonine, which is neutral and polar, at codon 463 of the FOXN1 protein (p.Ala463Thr). This variant is present in population databases (no rsID available, gnomAD 0.02%). This variant has not been reported in the literature in individuals affected with FOXN1-related conditions. ClinVar contains an entry for this variant (Variation ID: 2148652). Advanced modeling of protein sequence and biophysical properties (such as structural, functional, and spatial information, amino acid conservation, physicochemical variation, residue mobility, and thermodynamic stability) performed at Invitae indicates that this missense variant is not expected to disrupt FOXN1 protein function with a negative predictive value of 80%. Algorithms developed to predict the effect of sequence changes on RNA splicing suggest that this variant may create or strengthen a splice site. In summary, the available evidence is currently insufficient to determine the role of this variant in disease. Therefore, it has been classified as a Variant of Uncertain Significance.